The following is an entry in ClinVar:

ClinVar aggregate classification (germline): Likely benign (0 of 4 stars; one submission).

Conditions:
SERPINA3-related disorder. Also called: SERPINA3-related condition.

Allele frequency attached by ClinVar (database versions not stated): TOPMed below 0.00001; gnomAD 0.00005; gnomAD exomes 0.00007; ExAC 0.00017; 1000 Genomes Project 30x 0.00031; 1000 Genomes Project 0.00040.
gnomAD v4.1: 118 of 1,614,148 alleles (0.0073%); highest among the groups gnomAD compares: South Asian, 0.12%; 2 homozygotes.

Submission:

PreventionGenetics, part of Exact Sciences
Classification: Likely benign for SERPINA3-related condition. Last evaluated: 2019-09-09. Review status: no assertion criteria provided. Collection method: clinical testing. Allele origin: germline.
Comment: This variant is classified as likely benign based on ACMG/AMP sequence variant interpretation guidelines (Richards et al. 2015 PMID: 25741868, with internal and published modifications).

NM_001085.5(SERPINA3):c.141C>T (p.Leu47=)

Gene: SERPINA3 (serpin family A member 3; plus strand). Cytogenetic location: 14q32.13.
Variant type: single nucleotide variant.
Coding change: c.141C>T on transcript NM_001085.5 (MANE Select); coding-DNA position 141, C replaced by T.
Protein change: p.Leu47=; no amino-acid change (leucine 47 retained).
Molecular consequence: synonymous variant.
Genome position (GRCh38, 1-based): chr14:94,614,582, C>T. VCF-style: chr14-94614582-C-T. GRCh37 (hg19) VCF-style: chr14-95080919-C-T.
Other names: c.141C>T, p.Leu47= (NM_001384672.1, NM_001384673.1, NM_001384674.1).
Identifiers: ClinVar variation 3039878 (VCV003039878.2), dbSNP rs201175080, ClinGen allele CA7329680.
Genomic context (GRCh38, chr14:94,614,582, plus strand): 5'-CCCACTTGACGAGGAGAATCTGACCCAGGAGAACCAAGACCGAGGGACACACGTGGACCT[C>T]GGATTAGCCTCCGCCAACGTGGACTTCGCTTTCAGCCTGTACAAGCAGTTAGTCCTGAAG-3'
Protein context (NP_001076.2, residues 37-57): ENQDRGTHVD[Leu47=]GLASANVDFA